The following is an entry in ClinVar:

NM_017951.5(SMPD4):c.784_785del (p.Leu262fs)

Gene: SMPD4 (sphingomyelin phosphodiesterase 4; minus strand). Cytogenetic location: 2q21.1.
Variant type: Microsatellite.
Coding change: c.784_785del on transcript NM_017951.5 (MANE Select); coding-DNA positions 784 to 785, 2 bases deleted (CT; older notation c.784_785delCT).
Protein change: p.Leu262fs; shifts the reading frame from leucine 262.
Molecular consequence: frameshift variant. On other transcripts: non-coding transcript variant (2).
Genome position (GRCh38, 1-based): chr2:130,167,465-130,167,466, AG deleted on the plus strand (CT on the coding strand, the reverse complement: SMPD4 is on the minus strand); deleting any 2 consecutive bases within chr2:130,167,465-130,167,468 gives the same sequence; the c. name uses the placement nearest the transcript's 3' end. VCF-style (leftmost placement, unchanged base first): chr2-130167464-CAG-C. GRCh37 (hg19) VCF-style: chr2-130925037-CAG-C.
Other names: p.L301Afs*6; c.682_683del, p.Leu228fs (NM_001171083.2); c.901_902del, p.Leu301fs (NM_017751.4); short protein forms L228fs, L262fs, L301fs.
Identifiers: ClinVar variation 2582580 (VCV002582580.4), dbSNP rs2467253753, ClinGen allele CA2577096972.

ClinVar aggregate classification (germline): Pathogenic/Likely pathogenic. Review status: criteria provided, multiple submitters, no conflicts (2 of 4 stars). 3 submissions from 3 submitters: Pathogenic (1); Likely pathogenic (2). Last evaluated 2025-03-06.

Conditions:
Neurodevelopmental disorder with microcephaly, arthrogryposis, and structural brain anomalies. Identifiers: Orphanet 664923, MedGen C5231431, MONDO:0032838, OMIM 618622.

Submissions (3):

3billion
Classification: Pathogenic for Neurodevelopmental disorder with microcephaly, arthrogryposis, and structural brain anomalies. Last evaluated: 2025-03-06. Review status: criteria provided, single submitter. Criteria: ACMG Guidelines, 2015. Collection method: clinical testing. Allele origin: germline. Affected: yes.
Comment: The variant is observed at an extremely low frequency in the gnomAD v4.1.0 dataset (total allele frequency: <0.001%). Predicted Consequence/Location: Frameshift: predicted to result in a loss or disruption of normal protein function through nonsense-mediated decay (NMD) or protein truncation. Multiple pathogenic variants are reported downstream of the variant.The variant has been reported to be associated with SMPD4-related disorder (ClinVar ID: VCV002582580). Therefore, this variant is classified as Pathogenic according to the recommendation of ACMG/AMP guideline.

Baylor Genetics
Classification: Likely pathogenic for Neurodevelopmental disorder with microcephaly, arthrogryposis, and structural brain anomalies. Last evaluated: 2023-08-21. Review status: criteria provided, single submitter. Criteria: ACMG Guidelines, 2015. Collection method: clinical testing. Allele origin: unknown.

Undiagnosed Diseases Network, NIH
Classification: Likely pathogenic for Neurodevelopmental disorder with microcephaly, arthrogryposis, and structural brain anomalies. Last evaluated: 2023-08-21. Review status: criteria provided, single submitter. Criteria: ACMG Guidelines, 2015. Collection method: clinical testing. Allele origin: paternal. Inheritance: Autosomal recessive inheritance. Affected: yes. Observed: 1 compound heterozygote. Study: Undiagnosed Diseases Network (NIH), UDN.